The following is an entry in ClinVar:

NM_021961.6(TEAD1):c.559A>G (p.Thr187Ala)

Gene: TEAD1 (TEA domain transcription factor 1; plus strand). Cytogenetic location: 11p15.3.
Variant type: single nucleotide variant.
Coding change: c.559A>G on transcript NM_021961.6 (MANE Select); coding-DNA position 559, A replaced by G.
Protein change: p.Thr187Ala; replaces threonine 187 with alanine.
Molecular consequence: missense variant.
Genome position (GRCh38, 1-based): chr11:12,881,942, A>G. VCF-style: chr11-12881942-A-G. GRCh37 (hg19) VCF-style: chr11-12903489-A-G.
Other names: short protein forms T187A.
Identifiers: ClinVar variation 957945 (VCV000957945.9), dbSNP rs1947979849, ClinGen allele CA379712384.

ClinVar aggregate classification (germline): Uncertain significance (1 of 4 stars; one submission).

Allele frequency attached by ClinVar (database versions not stated): gnomAD exomes below 0.00001.
gnomAD v4.1: 4 of 1,614,186 alleles (0.00025%); highest among the groups gnomAD compares: African/African-American, 0.0053%; no homozygotes.

Submission:

Labcorp Genetics (formerly Invitae), Labcorp
Classification: Uncertain significance. Last evaluated: 2024-03-12. Review status: criteria provided, single submitter. Criteria: Invitae Variant Classification Sherloc (09022015). Collection method: clinical testing. Allele origin: germline.
Comment: This sequence change replaces threonine, which is neutral and polar, with alanine, which is neutral and non-polar, at codon 187 of the TEAD1 protein (p.Thr187Ala). This variant is not present in population databases (gnomAD no frequency). This variant has not been reported in the literature in individuals affected with TEAD1-related conditions. ClinVar contains an entry for this variant (Variation ID: 957945). Advanced modeling of protein sequence and biophysical properties (such as structural, functional, and spatial information, amino acid conservation, physicochemical variation, residue mobility, and thermodynamic stability) performed at Invitae indicates that this missense variant is not expected to disrupt TEAD1 protein function with a negative predictive value of 80%. In summary, the available evidence is currently insufficient to determine the role of this variant in disease. Therefore, it has been classified as a Variant of Uncertain Significance.